The following is an entry in ClinVar:

ClinVar aggregate classification (germline): Uncertain significance. Review status: criteria provided, multiple submitters, no conflicts (2 of 4 stars). 2 submissions from 2 submitters: Uncertain significance (2). Last evaluated 2022-06-14.

Conditions:
Inborn genetic diseases. Identifiers: MedGen C0950123, MeSH D030342.

Submissions (2):

Labcorp Genetics (formerly Invitae), Labcorp
Classification: Uncertain significance. Last evaluated: 2022-06-14. Review status: criteria provided, single submitter. Criteria: Invitae Variant Classification Sherloc (09022015). Collection method: clinical testing. Allele origin: germline.
Comment: This sequence change replaces histidine, which is basic and polar, with arginine, which is basic and polar, at codon 4 of the GSN protein (p.His4Arg). This variant is not present in population databases (gnomAD no frequency). This variant has not been reported in the literature in individuals affected with GSN-related conditions. Algorithms developed to predict the effect of missense changes on protein structure and function output the following: SIFT: "Tolerated"; PolyPhen-2: "Possibly Damaging"; Align-GVGD: "Class C0". The arginine amino acid residue is found in multiple mammalian species, which suggests that this missense change does not adversely affect protein function. In summary, the available evidence is currently insufficient to determine the role of this variant in disease. Therefore, it has been classified as a Variant of Uncertain Significance.

Ambry Genetics
Classification: Uncertain significance for Inborn genetic diseases. Last evaluated: 2022-04-12. Review status: criteria provided, single submitter. Criteria: Ambry Variant Classification Scheme 2023. Collection method: clinical testing. Allele origin: germline.
Comment: The p.H4R variant (also known as c.11A>G), located in coding exon 1 of the GSN gene, results from an A to G substitution at nucleotide position 11. The histidine at codon 4 is replaced by arginine, an amino acid with highly similar properties. This amino acid position is poorly conserved in available vertebrate species. In addition, this alteration is predicted to be tolerated by in silico analysis. Since supporting evidence is limited at this time, the clinical significance of this alteration remains unclear.

NM_198252.3(GSN):c.-9-2091A>G

Gene: GSN (gelsolin; plus strand). Cytogenetic location: 9q33.2.
Variant type: single nucleotide variant.
Coding change: c.-9-2091A>G on transcript NM_198252.3 (MANE Select); 2091 bases into the intron before 9 bases upstream of the start codon, A replaced by G.
Molecular consequence: intron variant. On other transcripts: missense variant (1).
Genome position (GRCh38, 1-based): chr9:121,299,872, A>G. VCF-style: chr9-121299872-A-G. GRCh37 (hg19) VCF-style: chr9-124062150-A-G.
Other names: c.11A>G, p.His4Arg (NM_000177.5); c.-9-2091A>G (NM_001353054.1, NM_001353053.1, NM_001353060.2 and 5 more transcripts); c.-47-184A>G (NM_001353064.2, NM_001353066.2, NM_001353072.2 and 7 more transcripts); c.-1-2099A>G (NM_001353058.2, NM_001353059.2, NM_001353056.2 and 1 more transcripts); c.-38-193A>G (NM_001353073.2, NM_001353065.2, NM_001353068.2 and 2 more transcripts); c.100-2091A>G (NM_001127663.2); c.-32-199A>G (NM_001353070.2); c.-48-2052A>G (NM_001353055.2); and 4 more; short protein forms H4R.
Identifiers: ClinVar variation 1746988 (VCV001746988.7), dbSNP rs1463497694, ClinGen allele CA374751328.